The following is an entry in ClinVar:

ClinVar aggregate classification (germline): Likely pathogenic (1 of 4 stars; one submission).

Submission:

GeneDx
Classification: Likely pathogenic. Last evaluated: 2016-08-24. Review status: criteria provided, single submitter. Criteria: GeneDx Variant Classification (06012015). Collection method: clinical testing. Allele origin: germline. Affected: yes.
Comment: The F1204L variant in the SMARCA2 gene has not been reported previously as a pathogenic variant, nor as a benign variant, to our knowledge. The F1204L variant was not observed in approximately 6500 individuals of European and African American ancestry in the NHLBI Exome Sequencing Project, indicating it is not a common benign variant in these populations. The F1204L variant is a conservative amino acid substitution, which is not likely to impact secondary protein structure as these residues share similar properties. This substitution occurs at a position that is conserved across species. In silico analysis predicts this variant is probably damaging to the protein structure/function. Missense variants in nearby residues (A1201V, G1202C, D1205G) have been reported in the Human Gene Mutation Database in association with Nicohlaides-Baraitser syndrome (Stenson et al., 2014), supporting the functional importance of this region of the protein. The F1204L variant is a strong candidate for a pathogenic variant; however, the possibility it may be a rare benign variant cannot be excluded.

NM_003070.5(SMARCA2):c.3612T>G (p.Phe1204Leu)

Gene: SMARCA2 (SWI/SNF related, matrix associated, actin dependent regulator of chromatin, subfamily a, member 2; plus strand). Cytogenetic location: 9p24.3.
Variant type: single nucleotide variant.
Coding change: c.3612T>G on transcript NM_003070.5 (MANE Select); coding-DNA position 3612, T replaced by G.
Protein change: p.Phe1204Leu; replaces phenylalanine 1204 with leucine.
Molecular consequence: missense variant.
Genome position (GRCh38, 1-based): chr9:2,115,977, T>G. VCF-style: chr9-2115977-T-G. GRCh37 (hg19) VCF-style: chr9-2115977-T-G.
Other names: c.3612T>G, p.Phe1204Leu (NM_001289396.2, NM_139045.4); c.3438T>G, p.Phe1146Leu (NM_001289397.2); short protein forms F1204L, F1146L.
Identifiers: ClinVar variation 430455 (VCV000430455.2), dbSNP rs1131691978, ClinGen allele CA372788973.